The following is an entry in ClinVar:

ClinVar aggregate classification (germline): Uncertain significance. Review status: criteria provided, multiple submitters, no conflicts (2 of 4 stars). 2 submissions from 2 submitters: Uncertain significance (2). Last evaluated 2023-09-24.

Conditions:
Cardiovascular phenotype. Identifiers: MedGen CN230736.
Long QT syndrome (LQTS). Identifiers: MedGen C0023976, MeSH D008133, MONDO:0002442. Disease mechanism: loss of function. Inheritance: Various modes of inheritance.

Allele frequency attached by ClinVar (database versions not stated): gnomAD exomes below 0.00001.
gnomAD v4.1: 1 of 1,613,964 alleles (0.000062%); highest among the groups gnomAD compares: Non-Finnish European, 0.000085%; no homozygotes.

Submissions (2):

Ambry Genetics
Classification: Uncertain significance for Cardiovascular phenotype. Last evaluated: 2023-09-24. Review status: criteria provided, single submitter. Criteria: Ambry Variant Classification Scheme 2023. Collection method: clinical testing. Allele origin: germline.
Comment: The p.S1778T variant (also known as c.5332T>A), located in coding exon 21 of the AKAP9 gene, results from a T to A substitution at nucleotide position 5332. The serine at codon 1778 is replaced by threonine, an amino acid with similar properties. This amino acid position is conserved. In addition, this alteration is predicted to be tolerated by in silico analysis. Since supporting evidence is limited at this time, the clinical significance of this alteration remains unclear.

Labcorp Genetics (formerly Invitae), Labcorp
Classification: Uncertain significance for Long QT syndrome. Last evaluated: 2021-09-02. Review status: criteria provided, single submitter. Criteria: Invitae Variant Classification Sherloc (09022015). Collection method: clinical testing. Allele origin: germline.

NM_005751.5(AKAP9):c.5332T>A (p.Ser1778Thr)

Gene: AKAP9 (A-kinase anchoring protein 9; plus strand). Cytogenetic location: 7q21.2.
Variant type: single nucleotide variant.
Coding change: c.5332T>A on transcript NM_005751.5 (MANE Select); coding-DNA position 5332, T replaced by A.
Protein change: p.Ser1778Thr; replaces serine 1778 with threonine.
Molecular consequence: missense variant.
Genome position (GRCh38, 1-based): chr7:92,045,177, T>A. VCF-style: chr7-92045177-T-A. GRCh37 (hg19) VCF-style: chr7-91674491-T-A.
Other names: c.5332T>A, p.Ser1778Thr (NM_147185.3); short protein forms S1778T.
Identifiers: ClinVar variation 457106 (VCV000457106.16), dbSNP rs1554430888, ClinGen allele CA368130824.